The following is an entry in ClinVar:

ClinVar aggregate classification (germline): Likely benign. Review status: criteria provided, multiple submitters, no conflicts (2 of 4 stars). 3 submissions from 3 submitters: Likely benign (3). Last evaluated 2025-05-06.

Conditions:
AK2-related disorder. Also called: AK2-related condition.
Reticular dysgenesis. Also called: ALEUKOCYTOSIS; CONGENITAL ALEUKIA; HEMATOPOIETIC HYPOPLASIA, GENERALIZED; RETICULAR DYSGENESIA; SEVERE COMBINED IMMUNODEFICIENCY WITH LEUKOPENIA; DeVaal disease. Identifiers: Orphanet 33355, MedGen C0272167, MONDO:0009973, OMIM 267500.

Allele frequency attached by ClinVar (database versions not stated): ExAC 0.00005; TOPMed 0.00005.

Submissions (3):

PreventionGenetics, part of Exact Sciences
Classification: Likely benign for AK2-related condition. Last evaluated: 2025-05-06. Review status: criteria provided, single submitter. Criteria: ACMG Guidelines, 2015. Collection method: clinical testing. Allele origin: germline.
Comment: This variant is classified as likely benign based on ACMG/AMP sequence variant interpretation guidelines (Richards et al. 2015 PMID: 25741868, with internal and published modifications).

Blueprint Genetics
Classification: Likely benign. Last evaluated: 2024-10-31. Review status: criteria provided, single submitter. Criteria: ACMG Guidelines, 2015. Collection method: clinical testing. Allele origin: germline.

Labcorp Genetics (formerly Invitae), Labcorp
Classification: Likely benign for Reticular dysgenesis. Last evaluated: 2021-10-07. Review status: criteria provided, single submitter. Criteria: Invitae Variant Classification Sherloc (09022015). Collection method: clinical testing. Allele origin: germline.

NM_001625.4(AK2):c.654C>T (p.Val218=)

Gene: AK2 (adenylate kinase 2; minus strand). Cytogenetic location: 1p35.1.
Variant type: single nucleotide variant.
Coding change: c.654C>T on transcript NM_001625.4 (MANE Select); coding-DNA position 654, C replaced by T.
Protein change: p.Val218=; no amino-acid change (valine 218 retained).
Molecular consequence: synonymous variant. On other transcripts: 3 prime UTR variant (1), non-coding transcript variant (1).
Genome position (GRCh38, 1-based): chr1:33,013,247, G>A on the plus strand (C>T on the coding strand, the complement: AK2 is on the minus strand). VCF-style: chr1-33013247-G-A. GRCh37 (hg19) VCF-style: chr1-33478848-G-A.
Other names: c.654C>T (NM_001625.3); c.630C>T, p.Val210= (NM_001199199.3); c.510C>T, p.Val170= (NM_001319139.3, NM_001319140.2); c.654C>T, p.Val218= (NM_001319141.3, NM_013411.5); c.528C>T, p.Val176= (NM_001319142.3); c.*157C>T (NM_001319143.2).
Identifiers: ClinVar variation 1611690 (VCV001611690.10), dbSNP rs765292604, ClinGen allele CA747038.